The following is an entry in ClinVar:

ClinVar aggregate classification (germline): Uncertain significance. Review status: criteria provided, multiple submitters, no conflicts (2 of 4 stars). 2 submissions from 2 submitters: Uncertain significance (2). Last evaluated 2023-10-10.

Conditions:
Inborn genetic diseases. Identifiers: MedGen C0950123, MeSH D030342.
Autosomal dominant polycystic kidney disease. Identifiers: Orphanet 730, MedGen C0085413, MONDO:0004691.

Allele frequency attached by ClinVar (database versions not stated): TOPMed below 0.00001; ExAC 0.00001; gnomAD 0.00001; gnomAD exomes 0.00001.
gnomAD v4.1: 22 of 1,613,856 alleles (0.0014%); highest among the groups gnomAD compares: Non-Finnish European, 0.0017%; no homozygotes.

Submissions (2):

Ambry Genetics
Classification: Uncertain significance for Inborn genetic diseases. Last evaluated: 2023-10-10. Review status: criteria provided, single submitter. Criteria: Ambry Variant Classification Scheme 2023. Collection method: clinical testing. Allele origin: germline.

Labcorp Genetics (formerly Invitae), Labcorp
Classification: Uncertain significance for Autosomal dominant polycystic kidney disease. Last evaluated: 2023-05-05. Review status: criteria provided, single submitter. Criteria: Invitae Variant Classification Sherloc (09022015). Collection method: clinical testing. Allele origin: germline.
Comment: In summary, the available evidence is currently insufficient to determine the role of this variant in disease. Therefore, it has been classified as a Variant of Uncertain Significance. Advanced modeling of protein sequence and biophysical properties (such as structural, functional, and spatial information, amino acid conservation, physicochemical variation, residue mobility, and thermodynamic stability) performed at Invitae indicates that this missense variant is not expected to disrupt PKD2 protein function. This variant has not been reported in the literature in individuals affected with PKD2-related conditions. This variant is present in population databases (rs763865791, gnomAD 0.0009%). This sequence change replaces alanine, which is neutral and non-polar, with threonine, which is neutral and polar, at codon 407 of the PKD2 protein (p.Ala407Thr).

NM_000297.4(PKD2):c.1219G>A (p.Ala407Thr)

Gene: PKD2 (polycystin 2, transient receptor potential cation channel; plus strand). Cytogenetic location: 4q22.1.
Variant type: single nucleotide variant.
Coding change: c.1219G>A on transcript NM_000297.4 (MANE Select); coding-DNA position 1219, G replaced by A.
Protein change: p.Ala407Thr; replaces alanine 407 with threonine.
Molecular consequence: missense variant. On other transcripts: non-coding transcript variant (1).
Genome position (GRCh38, 1-based): chr4:88,043,357, G>A. VCF-style: chr4-88043357-G-A. GRCh37 (hg19) VCF-style: chr4-88964509-G-A.
Other names: c.1219G>A (NM_000297.3); short protein forms A407T.
Identifiers: ClinVar variation 2910942 (VCV002910942.4), dbSNP rs763865791, ClinGen allele CA3003904.